The following is an entry in ClinVar:

NM_001323289.2(CDKL5):c.620G>A (p.Gly207Glu)

Gene: CDKL5 (cyclin dependent kinase like 5; plus strand). Cytogenetic location: Xp22.13.
Variant type: single nucleotide variant.
Coding change: c.620G>A on transcript NM_001323289.2 (MANE Select); coding-DNA position 620, G replaced by A.
Protein change: p.Gly207Glu; replaces glycine 207 with glutamic acid.
Molecular consequence: missense variant.
Genome position (GRCh38, 1-based): chrX:18,588,019, G>A. VCF-style: chrX-18588019-G-A. GRCh37 (hg19) VCF-style: chrX-18606139-G-A.
Other names: NM_003159.3:c.620G>A; c.620G>A, p.Gly207Glu (NM_001037343.2, NM_003159.3); short protein forms G207E.
Identifiers: ClinVar variation 3343989 (VCV003343989.1).

ClinVar aggregate classification (germline): Uncertain significance (1 of 4 stars; one submission).

Conditions:
CDKL5 disorder. Identifiers: MedGen CN296942, MONDO:0100039.

Submission:

Centre for Population Genomics, CPG
Classification: Uncertain significance for CDKL5 disorder. Last evaluated: 2024-09-09. Review status: criteria provided, single submitter. Criteria: McKnight et al. (Hum Mutat. 2022). Collection method: curation. Allele origin: germline. Inheritance: X-linked inheritance.
Comment: This variant has been collected from RettBASE and curated to current modified ACMG/AMP criteria. Based on the classification scheme defined by the ClinGen Rett/Angelman-like Expert Panel for Rett/AS-like Disorders Specifications to the ACMG/AMP Variant Interpretation Guidelines VCEP 3.0, this variant is classified as a variant of uncertain significance. At least the following criteria are met: This variant has been identified as a de novo occurrence in an individual with CDKL5 disorder without confirmation of paternity and maternity (PM6, PMID: 23708187). Computational prediction analysis tools suggests a deleterious impact (REVEL score>= 0.75) (PP3). This variant is absent from gnomAD (PM2_Supporting).